The following is an entry in ClinVar:

NM_014285.7(EXOSC2):c.700A>G (p.Ile234Val)

Gene: EXOSC2 (exosome component 2; plus strand). Cytogenetic location: 9q34.12.
Variant type: single nucleotide variant.
Coding change: c.700A>G on transcript NM_014285.7 (MANE Select); coding-DNA position 700, A replaced by G.
Protein change: p.Ile234Val; replaces isoleucine 234 with valine.
Molecular consequence: missense variant. On other transcripts: non-coding transcript variant (1).
Genome position (GRCh38, 1-based): chr9:130,703,080, A>G. VCF-style: chr9-130703080-A-G. GRCh37 (hg19) VCF-style: chr9-133578467-A-G.
Other names: c.622A>G, p.Ile208Val (NM_001282708.1); c.610A>G, p.Ile204Val (NM_001282709.1); short protein forms I204V, I234V, I208V.
Identifiers: ClinVar variation 1960368 (VCV001960368.2), dbSNP rs2490803971, ClinGen allele CA375248233.
Genomic context (GRCh38, chr9:130,703,080, plus strand): 5'-TATTTCCCTTCCCCTCTCTGTGTCTCCTTATAGCCTGTCTCTCTTGCTGATCGAGAGGTG[A>G]TATCCCGGCTTCGGAACTGCATCATCTCGCTGGTAACTCAGAGGATGATGCTGTATGATA-3'
Protein context (NP_055100.2, residues 224-244): EPVSLADREV[Ile234Val]SRLRNCIISL

ClinVar aggregate classification (germline): Uncertain significance (1 of 4 stars; one submission).

Submission:

Labcorp Genetics (formerly Invitae), Labcorp
Classification: Uncertain significance. Last evaluated: 2022-10-03. Review status: criteria provided, single submitter. Criteria: Invitae Variant Classification Sherloc (09022015). Collection method: clinical testing. Allele origin: germline.
Comment: This sequence change replaces isoleucine, which is neutral and non-polar, with valine, which is neutral and non-polar, at codon 234 of the EXOSC2 protein (p.Ile234Val). This variant is not present in population databases (gnomAD no frequency). This variant has not been reported in the literature in individuals affected with EXOSC2-related conditions. Advanced modeling of protein sequence and biophysical properties (such as structural, functional, and spatial information, amino acid conservation, physicochemical variation, residue mobility, and thermodynamic stability) performed at Invitae indicates that this missense variant is not expected to disrupt EXOSC2 protein function. In summary, the available evidence is currently insufficient to determine the role of this variant in disease. Therefore, it has been classified as a Variant of Uncertain Significance.